The following is an entry in ClinVar:

ClinVar aggregate classification (germline): Likely benign (1 of 4 stars; one submission).

Allele frequency attached by ClinVar (database versions not stated): gnomAD exomes 0.00035; ExAC 0.00038; TOPMed 0.00039; gnomAD 0.00044 and 0.00046; ESP Exome Variant Server 0.00062; 1000 Genomes Project 0.00140; 1000 Genomes Project 30x 0.00141.
gnomAD v4.1: 587 of 1,614,126 alleles (0.036%); highest among the groups gnomAD compares: African/African-American, 0.057%; 1 homozygote.

Submission:

CeGaT Center for Human Genetics Tuebingen
Classification: Likely benign. Last evaluated: 2022-07-01. Review status: criteria provided, single submitter. Criteria: CeGaT Center For Human Genetics Tuebingen Variant Classification Criteria Version 2. Collection method: clinical testing. Allele origin: germline. Affected: yes. Observed: 2 variant alleles.
Comment: EXOC7: BP4, BP7

NM_001013839.4(EXOC7):c.948C>T (p.Cys316=)

Gene: EXOC7 (exocyst complex component 7; minus strand). Cytogenetic location: 17q25.1.
Variant type: single nucleotide variant.
Coding change: c.948C>T on transcript NM_001013839.4 (MANE Select); coding-DNA position 948, C replaced by T.
Protein change: p.Cys316=; no amino-acid change (cysteine 316 retained).
Molecular consequence: synonymous variant.
Genome position (GRCh38, 1-based): chr17:76,089,274, G>A on the plus strand (C>T on the coding strand, the complement: EXOC7 is on the minus strand). VCF-style: chr17-76089274-G-A. GRCh37 (hg19) VCF-style: chr17-74085355-G-A.
Other names: c.1101C>T, p.Cys367= (NM_001145297.4); c.924C>T, p.Cys308= (NM_001145298.4); c.1017C>T, p.Cys339= (NM_001145299.4, NM_001375976.1); c.825C>T, p.Cys275= (NM_001282313.2); c.948C>T, p.Cys316= (NM_001375974.1); c.855C>T, p.Cys285= (NM_001375975.1, NM_015219.5).
Identifiers: ClinVar variation 1675691 (VCV001675691.33), dbSNP rs149739851, ClinGen allele CA8781456.